The following is an entry in ClinVar:

NM_057175.5(NAA15):c.2183A>G (p.Asp728Gly)

Gene: NAA15 (N-alpha-acetyltransferase 15, NatA auxiliary subunit; plus strand). Cytogenetic location: 4q31.1.
Variant type: single nucleotide variant.
Coding change: c.2183A>G on transcript NM_057175.5 (MANE Select); coding-DNA position 2183, A replaced by G.
Protein change: p.Asp728Gly; replaces aspartic acid 728 with glycine.
Molecular consequence: missense variant.
Genome position (GRCh38, 1-based): chr4:139,384,859, A>G. VCF-style: chr4-139384859-A-G. GRCh37 (hg19) VCF-style: chr4-140306013-A-G.
Other names: short protein forms D728G.
Identifiers: ClinVar variation 1311999 (VCV001311999.2), dbSNP rs2111006304, ClinGen allele CA358270514.

ClinVar aggregate classification (germline): Uncertain significance (1 of 4 stars; one submission).

Allele frequency attached by ClinVar (database versions not stated): gnomAD exomes below 0.00001.

Submission:

GeneDx
Classification: Uncertain significance. Last evaluated: 2020-01-07. Review status: criteria provided, single submitter. Criteria: GeneDx Variant Classification Process June 2021. Collection method: clinical testing. Allele origin: germline. Affected: yes.
Comment: Not observed in large population cohorts (Lek et al., 2016); In-silico analysis, which includes splice predictors and evolutionary conservation, is inconclusive as to whether the variant alters gene splicing. In the absence of RNA/functional studies, the actual effect of this sequence change is unknown.; In silico analysis, which includes protein predictors and evolutionary conservation, supports that this variant does not alter protein structure/function; Has not been previously published as pathogenic or benign to our knowledge